The following is an entry in ClinVar:

ClinVar aggregate classification (germline): Uncertain significance (1 of 4 stars; one submission).

Conditions:
Inborn genetic diseases. Identifiers: MedGen C0950123, MeSH D030342.

Submission:

Ambry Genetics
Classification: Uncertain significance for Inborn genetic diseases. Last evaluated: 2026-03-21. Review status: criteria provided, single submitter. Criteria: Ambry Variant Classification Scheme 2023. Collection method: clinical testing. Allele origin: germline.
Comment: The p.L1012P variant (also known as c.3035T>C), located in coding exon 1 of the SAMD9 gene, results from a T to C substitution at nucleotide position 3035. The leucine at codon 1012 is replaced by proline, an amino acid with similar properties. This amino acid position is conserved. In addition, the in silico prediction for this alteration is inconclusive. Based on the available evidence, the clinical significance of this variant remains unclear.

NM_017654.4(SAMD9):c.3035T>C (p.Leu1012Pro)

Gene: SAMD9 (sterile alpha motif domain containing 9; minus strand). Cytogenetic location: 7q21.2.
Variant type: single nucleotide variant.
Coding change: c.3035T>C on transcript NM_017654.4 (MANE Select); coding-DNA position 3035, T replaced by C.
Protein change: p.Leu1012Pro; replaces leucine 1012 with proline.
Molecular consequence: missense variant.
Genome position (GRCh38, 1-based): chr7:93,103,063, A>G on the plus strand (T>C on the coding strand, the complement: SAMD9 is on the minus strand). VCF-style: chr7-93103063-A-G. GRCh37 (hg19) VCF-style: chr7-92732376-A-G.
Other names: c.3035T>C, p.Leu1012Pro (NM_001193307.2); short protein forms L1012P.
Identifiers: ClinVar variation 4863762 (VCV004863762.1).